The following is an entry in ClinVar:

ClinVar aggregate classification (germline): Uncertain significance. Review status: criteria provided, multiple submitters, no conflicts (2 of 4 stars). 2 submissions from 2 submitters: Uncertain significance (2). Last evaluated 2022-09-19.

Allele frequency attached by ClinVar (database versions not stated): ExAC 0.00018; gnomAD exomes 0.00020 and 0.00056; TOPMed 0.00026; ESP Exome Variant Server 0.00031; gnomAD 0.00031 and 0.00032.
gnomAD v4.1: 860 of 1,613,460 alleles (0.053%); highest among the groups gnomAD compares: Non-Finnish European, 0.07%; no homozygotes.

Submissions (2):

Labcorp Genetics (formerly Invitae), Labcorp
Classification: Uncertain significance. Last evaluated: 2022-09-19. Review status: criteria provided, single submitter. Criteria: Invitae Variant Classification Sherloc (09022015). Collection method: clinical testing. Allele origin: germline.
Comment: This sequence change replaces lysine, which is basic and polar, with arginine, which is basic and polar, at codon 224 of the PAX1 protein (p.Lys224Arg). This variant is present in population databases (rs142565607, gnomAD 0.04%). This variant has not been reported in the literature in individuals affected with PAX1-related conditions. ClinVar contains an entry for this variant (Variation ID: 1334617). Advanced modeling of protein sequence and biophysical properties (such as structural, functional, and spatial information, amino acid conservation, physicochemical variation, residue mobility, and thermodynamic stability) performed at Invitae indicates that this missense variant is not expected to disrupt PAX1 protein function. Algorithms developed to predict the effect of sequence changes on RNA splicing suggest that this variant may create or strengthen a splice site. In summary, the available evidence is currently insufficient to determine the role of this variant in disease. Therefore, it has been classified as a Variant of Uncertain Significance.

Greenwood Genetic Center Diagnostic Laboratories, Greenwood Genetic Center
Classification: Uncertain significance. Last evaluated: 2021-10-07. Review status: criteria provided, single submitter. Criteria: ACMG Guidelines, 2015. Collection method: clinical testing. Allele origin: germline. Affected: yes.
Comment: PP3, PM2

NM_001257096.2(PAX1):c.671A>G (p.Lys224Arg)

Gene: PAX1 (paired box 1; plus strand). Cytogenetic location: 20p11.22.
Variant type: single nucleotide variant.
Coding change: c.671A>G on transcript NM_001257096.2 (MANE Select); coding-DNA position 671, A replaced by G.
Protein change: p.Lys224Arg; replaces lysine 224 with arginine.
Molecular consequence: missense variant.
Genome position (GRCh38, 1-based): chr20:21,706,822, A>G. VCF-style: chr20-21706822-A-G. GRCh37 (hg19) VCF-style: chr20-21687460-A-G.
Other names: c.671A>G, p.Lys224Arg (NM_006192.5); short protein forms K224R.
Identifiers: ClinVar variation 1334617 (VCV001334617.6), dbSNP rs142565607, ClinGen allele CA9786532.
Genomic context (GRCh38, chr20:21,706,822, plus strand): 5'-GCGTCTGTGACAAGTACAATGTGCCTTCGGTGAGCTCCATCAGCCGCATCCTGCGCAACA[A>G]GATCGGCAGCCTGGCGCAGCCCGGACCGTACGAGGCAAGTAAGCAGCCGCCGTCGCAGCC-3'
Protein context (NP_001244025.1, residues 214-234): VSSISRILRN[Lys224Arg]IGSLAQPGPY